The following is an entry in ClinVar:

ClinVar aggregate classification (germline): Uncertain significance. Review status: criteria provided, multiple submitters, no conflicts (2 of 4 stars). 2 submissions from 2 submitters: Uncertain significance (2). Last evaluated 2024-12-19.

Conditions:
Fanconi anemia (FA). Also called: Fanconi's anemia. Identifiers: Orphanet 84, MedGen C0015625, MeSH D005199, MONDO:0019391.
Fanconi anemia complementation group I (FANCI). Also called: FANCI-Related Fanconi Anemia. Identifiers: Orphanet 84, MedGen C1836861, MONDO:0012186, OMIM 609053.

Allele frequency attached by ClinVar (database versions not stated): gnomAD 0.00003; gnomAD exomes 0.00004; TOPMed 0.00004; ExAC 0.00005; 1000 Genomes Project 30x 0.00016; 1000 Genomes Project 0.00020.
gnomAD v4.1: 22 of 1,602,946 alleles (0.0014%); highest among the groups gnomAD compares: East Asian, 0.0089%; no homozygotes.

Submissions (2):

Labcorp Genetics (formerly Invitae), Labcorp
Classification: Uncertain significance for Fanconi anemia. Last evaluated: 2024-12-19. Review status: criteria provided, single submitter. Criteria: Invitae Variant Classification Sherloc (09022015). Collection method: clinical testing. Allele origin: germline.
Comment: This sequence change falls in intron 36 of the FANCI gene. It does not directly change the encoded amino acid sequence of the FANCI protein. This variant is present in population databases (rs545402956, gnomAD 0.02%). This variant has not been reported in the literature in individuals affected with FANCI-related conditions. ClinVar contains an entry for this variant (Variation ID: 1398160). Algorithms developed to predict the effect of sequence changes on RNA splicing suggest that this variant may disrupt the consensus splice site. In summary, the available evidence is currently insufficient to determine the role of this variant in disease. Therefore, it has been classified as a Variant of Uncertain Significance.

Fulgent Genetics
Classification: Uncertain significance for Fanconi anemia complementation group I. Last evaluated: 2024-03-30. Review status: criteria provided, single submitter. Criteria: ACMG Guidelines, 2015. Collection method: clinical testing. Allele origin: germline.

NM_001113378.2(FANCI):c.3817-12A>G

Gene: FANCI (FA complementation group I; plus strand). Cytogenetic location: 15q26.1.
Variant type: single nucleotide variant.
Coding change: c.3817-12A>G on transcript NM_001113378.2 (MANE Select); 12 bases into the intron before coding-DNA position 3817, A replaced by G.
Molecular consequence: intron variant.
Genome position (GRCh38, 1-based): chr15:89,315,270, A>G. VCF-style: chr15-89315270-A-G. GRCh37 (hg19) VCF-style: chr15-89858501-A-G.
Other names: c.3637-12A>G (NM_018193.3); c.3817-12A>G (NM_001376911.1); c.3538-12A>G (NM_001376910.1).
Identifiers: ClinVar variation 1398160 (VCV001398160.7), dbSNP rs545402956, ClinGen allele CA7723925.